The following is an entry in ClinVar:

NM_001384474.1(LOXHD1):c.4877-3C>A

Gene: LOXHD1 (lipoxygenase homology PLAT domains 1; minus strand). Cytogenetic location: 18q21.1.
Variant type: single nucleotide variant.
Coding change: c.4877-3C>A on transcript NM_001384474.1 (MANE Select); 3 bases into the intron before coding-DNA position 4877, C replaced by A.
Molecular consequence: intron variant.
Genome position (GRCh38, 1-based): chr18:46,522,312, G>T on the plus strand (C>A on the coding strand, the complement: LOXHD1 is on the minus strand). VCF-style: chr18-46522312-G-T. GRCh37 (hg19) VCF-style: chr18-44102275-G-T.
Other names: c.1544-3C>A (NM_001145472.3); c.1256-3C>A (NM_001308013.2); c.4877-3C>A (NM_144612.7).
Identifiers: ClinVar variation 228830 (VCV000228830.4), dbSNP rs876657861, ClinGen allele CA10577071.

ClinVar aggregate classification (germline): Uncertain significance (1 of 4 stars; one submission).

Submission:

Laboratory for Molecular Medicine, Mass General Brigham Personalized Medicine
Classification: Uncertain significance. Last evaluated: 2015-02-16. Review status: criteria provided, single submitter. Criteria: LMM Criteria. Collection method: clinical testing. Allele origin: germline. Observed: 1 variant allele.
Comment: Variant classified as Uncertain Significance - Favor Pathogenic. The c.4877-3C>A variant in LOXHD1 has not been previously reported in individuals with hearing loss and was absent from large population studies. This variant is located in th e 3' splice region. An adenine nucleotide (A) at the -3 position of the 3' splic e site diverges from the consensus sequence at that position, and computational tools suggest a possible impact to splicing. However, this information is not pr edictive enough to determine pathogenicity. In summary, while there is some susp icion for a pathogenic role, the clinical significance of this variant is uncert ain.